The following is an entry in ClinVar:

ClinVar aggregate classification (germline): Likely benign. Review status: criteria provided, multiple submitters, no conflicts (2 of 4 stars). 4 submissions from 4 submitters: Likely benign (4). Last evaluated 2026-01-19.

Conditions:
FLNC-related disorder. Also called: FLNC-related condition; FLNC-related disorders.
Cardiovascular phenotype. Identifiers: MedGen CN230736.
Hypertrophic cardiomyopathy 26. Also called: Cardiomyopathy, familial hypertrophic, 26. Identifiers: Orphanet 75249, MedGen C4310749, MONDO:0014883, OMIM 617047.
Distal myopathy with posterior leg and anterior hand involvement. Also called: WILLIAMS DISTAL MYOPATHY. Identifiers: Orphanet 63273, MedGen C3279722, MONDO:0013550, OMIM 614065.
Myofibrillar myopathy 5. Also called: FILAMINOPATHY, AUTOSOMAL DOMINANT; Filaminopathy (type). Identifiers: Orphanet 171445, MedGen C1836050, MONDO:0012289, OMIM 609524.

Allele frequency attached by ClinVar (database versions not stated): TOPMed 0.00002; gnomAD 0.00003; gnomAD exomes 0.00001; ExAC 0.00002.
gnomAD v4.1: 18 of 1,614,020 alleles (0.0011%); highest among the groups gnomAD compares: South Asian, 0.0088%; no homozygotes.

Submissions (4):

Labcorp Genetics (formerly Invitae), Labcorp
Classification: Likely benign for Distal myopathy with posterior leg and anterior hand involvement; Myofibrillar myopathy 5; Hypertrophic cardiomyopathy 26. Last evaluated: 2026-01-19. Review status: criteria provided, single submitter. Criteria: Invitae Variant Classification Sherloc (09022015). Collection method: clinical testing. Allele origin: germline.

Ambry Genetics
Classification: Likely benign for Cardiovascular phenotype. Last evaluated: 2025-09-23. Review status: criteria provided, single submitter. Criteria: Ambry Variant Classification Scheme 2023. Collection method: clinical testing. Allele origin: germline.

PreventionGenetics, part of Exact Sciences
Classification: Likely benign for FLNC-related condition. Last evaluated: 2025-07-27. Review status: criteria provided, single submitter. Criteria: ACMG Guidelines, 2015. Collection method: clinical testing. Allele origin: germline.
Comment: This variant is classified as likely benign based on ACMG/AMP sequence variant interpretation guidelines (Richards et al. 2015 PMID: 25741868, with internal and published modifications).

Blueprint Genetics
Classification: Likely benign. Last evaluated: 2019-08-23. Review status: criteria provided, single submitter. Criteria: ACMG Guidelines, 2015. Collection method: clinical testing. Allele origin: germline.

NM_001458.5(FLNC):c.2930-4G>A

Gene: FLNC (filamin C; plus strand). Cytogenetic location: 7q32.1.
Variant type: single nucleotide variant.
Coding change: c.2930-4G>A on transcript NM_001458.5 (MANE Select); 4 bases into the intron before coding-DNA position 2930, G replaced by A.
Molecular consequence: intron variant.
Genome position (GRCh38, 1-based): chr7:128,844,000, G>A. VCF-style: chr7-128844000-G-A. GRCh37 (hg19) VCF-style: chr7-128484054-G-A.
Other names: c.2930-4G>A (NM_001127487.2, NM_001458.4).
Identifiers: ClinVar variation 1082882 (VCV001082882.12), dbSNP rs747623690, ClinGen allele CA4474918.